The following is an entry in ClinVar:

NM_001367721.1(CASK):c.1910G>A (p.Gly637Asp)

Gene: CASK (calcium/calmodulin dependent serine protein kinase; minus strand). Cytogenetic location: Xp11.4.
Variant type: single nucleotide variant.
Coding change: c.1910G>A on transcript NM_001367721.1 (MANE Select); coding-DNA position 1910, G replaced by A.
Protein change: p.Gly637Asp; replaces glycine 637 with aspartic acid.
Molecular consequence: missense variant.
Genome position (GRCh38, 1-based): chrX:41,553,848, C>T on the plus strand (G>A on the coding strand, the complement: CASK is on the minus strand). VCF-style: chrX-41553848-C-T. GRCh37 (hg19) VCF-style: chrX-41413101-C-T.
Other names: c.1841G>A, p.Gly614Asp (NM_001126054.3); c.1823G>A, p.Gly608Asp (NM_001126055.3); c.1892G>A, p.Gly631Asp (NM_001410745.1); c.1910G>A, p.Gly637Asp (NM_003688.4); short protein forms G637D, G614D, G608D, G631D.
Identifiers: ClinVar variation 580053 (VCV000580053.10), dbSNP rs1569302194, ClinGen allele CA412993126.

ClinVar aggregate classification (germline): Conflicting classifications of pathogenicity. Review status: criteria provided, conflicting classifications (1 of 4 stars). 2 submissions from 2 submitters: Likely pathogenic (1); Uncertain significance (1). Last evaluated 2018-12-03.

Conditions:
Intellectual disability, CASK-related, X-linked. Identifiers: MedGen CN043158.
Syndromic X-linked intellectual disability Najm type (MICPCH). Also called: Intellectual Disability and Microcephaly with Pontine and Cerebellar Hypoplasia; MICPCH SYNDROME; Mental retardation and microcephaly with pontine and cerebellar hypoplasia; MENTAL RETARDATION, X-LINKED, SYNDROMIC, NAJM TYPE; Intellectual Disability and Microcephaly with Pontine and Cerebellar Hypoplasia (MICPCH); Intellectual developmental disorder and microcephaly with pontine and cerebellar hypoplasia. Identifiers: Orphanet 163937, MedGen C2677903, MONDO:0010417, OMIM 300749.

Submissions (2):

Broad Center for Mendelian Genomics, Broad Institute of MIT and Harvard
Classification: Likely pathogenic for Syndromic X-linked intellectual disability Najm type. Last evaluated: 2018-12-03. Review status: criteria provided, single submitter. Criteria: ACMG Guidelines, 2015. Collection method: research. Allele origin: de novo. Inheritance: X-linked inheritance. Affected: yes.
Comment: Trio exome analysis showed this variant to be de novo. This variant was absent from large population studies. The p.Gly637Asp variant in CASK has been reported in one individual with intellectual disability and mental retardation and microcephaly with pontine and cerebellar hypoplasia (PMID: 23165780). Computational prediction tools and conservation analyses suggest that this variant may impact the protein, though this information is not predictive enough to determine pathogenicity. In summary, although additional studies are required to fully establish clinical significance, the p.Gly637Asp is likely pathogenic. ACMG/AMP Criteria applied: PM2, PS2, PP3 (Richards 2015).

Labcorp Genetics (formerly Invitae), Labcorp
Classification: Uncertain significance for Intellectual disability, CASK-related, X-linked. Last evaluated: 2018-01-10. Review status: criteria provided, single submitter. Criteria: Invitae Variant Classification Sherloc (09022015). Collection method: clinical testing. Allele origin: germline.
Comment: In summary, the available evidence is currently insufficient to determine the role of this variant in disease. Therefore, it has been classified as a Variant of Uncertain Significance. Algorithms developed to predict the effect of missense changes on protein structure and function (SIFT, PolyPhen-2, Align-GVGD) all suggest that this variant is likely to be disruptive, but these predictions have not been confirmed by published functional studies and their clinical significance is uncertain. This variant has been reported in an individual affected with epilepsy, intellectual disability, and microcephaly with pontine and cerebellar hypoplasia (PMID: 23165780). This variant is not present in population databases (ExAC no frequency). This sequence change replaces glycine with aspartic acid at codon 637 of the CASK protein (p.Gly637Asp). The glycine residue is highly conserved and there is a moderate physicochemical difference between glycine and aspartic acid.

Literature cited by the submitters: PubMed 23165780 (cited by Broad Center for Mendelian Genomics, Broad Institute of MIT and Harvard and Labcorp Genetics (formerly Invitae), Labcorp).